The following is an entry in ClinVar:

ClinVar aggregate classification (germline): Uncertain significance (1 of 4 stars; one submission).

Submission:

Labcorp Genetics (formerly Invitae), Labcorp
Classification: Uncertain significance. Last evaluated: 2024-01-02. Review status: criteria provided, single submitter. Criteria: Invitae Variant Classification Sherloc (09022015). Collection method: clinical testing. Allele origin: germline.
Comment: This sequence change falls in intron 3 of the PCDH15 gene. It does not directly change the encoded amino acid sequence of the PCDH15 protein. This variant is not present in population databases (gnomAD no frequency). This variant has not been reported in the literature in individuals affected with PCDH15-related conditions. ClinVar contains an entry for this variant (Variation ID: 1476467). Algorithms developed to predict the effect of sequence changes on RNA splicing suggest that this variant may disrupt the consensus splice site. In summary, the available evidence is currently insufficient to determine the role of this variant in disease. Therefore, it has been classified as a Variant of Uncertain Significance.

NM_001384140.1(PCDH15):c.158-9G>A

Gene: PCDH15 (protocadherin related 15; minus strand). Cytogenetic location: 10q21.1.
Variant type: single nucleotide variant.
Coding change: c.158-9G>A on transcript NM_001384140.1 (MANE Select); 9 bases into the intron before coding-DNA position 158, G replaced by A.
Molecular consequence: intron variant.
Genome position (GRCh38, 1-based): chr10:54,378,951, C>T on the plus strand (G>A on the coding strand, the complement: PCDH15 is on the minus strand). VCF-style: chr10-54378951-C-T. GRCh37 (hg19) VCF-style: chr10-56138711-C-T.
Other names: c.158-9G>A (NM_001354420.2, NM_001354429.2, NM_001142772.2 and 8 more transcripts); c.173-9G>A (NM_001142771.2, NM_001142769.3, NM_001142763.2); c.92-9G>A (NM_001354404.2, NM_001142773.2, NM_001142768.2).
Identifiers: ClinVar variation 1476467 (VCV001476467.8), dbSNP rs2135028247, ClinGen allele CA2573145221.